The following is an entry in ClinVar:

ClinVar aggregate classification (germline): Uncertain significance. Review status: criteria provided, multiple submitters, no conflicts (2 of 4 stars). 2 submissions from 2 submitters: Uncertain significance (2). Last evaluated 2025-08-21.

Conditions:
Inborn genetic diseases. Identifiers: MedGen C0950123, MeSH D030342.

Allele frequency attached by ClinVar (database versions not stated): ExAC 0.00003; gnomAD 0.00003; TOPMed 0.00003; gnomAD exomes 0.00004.
gnomAD v4.1: 66 of 1,614,076 alleles (0.0041%); highest among the groups gnomAD compares: Non-Finnish European, 0.0051%; no homozygotes.

Submissions (2):

Ambry Genetics
Classification: Uncertain significance for Inborn genetic diseases. Last evaluated: 2025-08-21. Review status: criteria provided, single submitter. Criteria: Ambry Variant Classification Scheme 2023. Collection method: clinical testing. Allele origin: germline.

Labcorp Genetics (formerly Invitae), Labcorp
Classification: Uncertain significance. Last evaluated: 2025-06-02. Review status: criteria provided, single submitter. Criteria: Invitae Variant Classification Sherloc (09022015). Collection method: clinical testing. Allele origin: germline.
Comment: This sequence change replaces alanine, which is neutral and non-polar, with proline, which is neutral and non-polar, at codon 1133 of the DUOX2 protein (p.Ala1133Pro). This variant is present in population databases (rs765163513, gnomAD 0.009%). This variant has not been reported in the literature in individuals affected with DUOX2-related conditions. ClinVar contains an entry for this variant (Variation ID: 1395705). Invitae Evidence Modeling of protein sequence and biophysical properties (such as structural, functional, and spatial information, amino acid conservation, physicochemical variation, residue mobility, and thermodynamic stability) indicates that this missense variant is not expected to disrupt DUOX2 protein function with a negative predictive value of 80%. In summary, the available evidence is currently insufficient to determine the role of this variant in disease. Therefore, it has been classified as a Variant of Uncertain Significance.

NM_001363711.2(DUOX2):c.3397G>C (p.Ala1133Pro)

Gene: DUOX2 (dual oxidase 2; minus strand). Cytogenetic location: 15q21.1.
Variant type: single nucleotide variant.
Coding change: c.3397G>C on transcript NM_001363711.2 (MANE Select); coding-DNA position 3397, G replaced by C.
Protein change: p.Ala1133Pro; replaces alanine 1133 with proline.
Molecular consequence: missense variant.
Genome position (GRCh38, 1-based): chr15:45,099,680, C>G on the plus strand (G>C on the coding strand, the complement: DUOX2 is on the minus strand). VCF-style: chr15-45099680-C-G. GRCh37 (hg19) VCF-style: chr15-45391878-C-G.
Other names: c.3397G>C (NM_014080.4); c.3397G>C, p.Ala1133Pro (NM_014080.5); short protein forms A1133P.
Identifiers: ClinVar variation 1395705 (VCV001395705.7), dbSNP rs765163513, ClinGen allele CA7537886.